The following is an entry in ClinVar:

ClinVar aggregate classification (germline): Uncertain significance (1 of 4 stars; one submission).

Submission:

Labcorp Genetics (formerly Invitae), Labcorp
Classification: Uncertain significance. Last evaluated: 2025-08-29. Review status: criteria provided, single submitter. Criteria: Invitae Variant Classification Sherloc (09022015). Collection method: clinical testing. Allele origin: germline.
Comment: This sequence change replaces glutamine, which is neutral and polar, with glutamic acid, which is acidic and polar, at codon 738 of the NEXMIF protein (p.Gln738Glu). This variant is not present in population databases (gnomAD no frequency). This variant has not been reported in the literature in individuals affected with NEXMIF-related conditions. An algorithm developed to predict the effect of missense changes on protein structure and function (PolyPhen-2) suggests that this variant is likely to be tolerated. In summary, the available evidence is currently insufficient to determine the role of this variant in disease. Therefore, it has been classified as a Variant of Uncertain Significance.

NM_001008537.3(NEXMIF):c.2212C>G (p.Gln738Glu)

Gene: NEXMIF (neurite extension and migration factor; minus strand). Cytogenetic location: Xq13.3.
Variant type: single nucleotide variant.
Coding change: c.2212C>G on transcript NM_001008537.3 (MANE Select); coding-DNA position 2212, C replaced by G.
Protein change: p.Gln738Glu; replaces glutamine 738 with glutamic acid.
Molecular consequence: missense variant.
Genome position (GRCh38, 1-based): chrX:74,742,345, G>C on the plus strand (C>G on the coding strand, the complement: NEXMIF is on the minus strand). VCF-style: chrX-74742345-G-C. GRCh37 (hg19) VCF-style: chrX-73962180-G-C.
Other names: short protein forms Q738E.
Identifiers: ClinVar variation 4754311 (VCV004754311.1).
Genomic context (GRCh38, chrX:74,742,345, plus strand): 5'-TAGCCTTTGAGGATTGGTTTTCCAAGAGAGGGCTCATTTGAACAATTGGCTTGCTTTCTT[G>C]CCCAGCAGCTTTGACTTTCTTAGATTTTAACCTAGCTTCACTTTTAAATTTGATTTTATT-3'
Protein context (NP_001008537.1, residues 728-748): LKSKKVKAAG[Gln738Glu]ESKPIVQMSP